The following is an entry in ClinVar:

NM_033004.4(NLRP1):c.2366G>T (p.Trp789Leu)

Gene: NLRP1 (NLR family pyrin domain containing 1; minus strand). Cytogenetic location: 17p13.2.
Variant type: single nucleotide variant.
Coding change: c.2366G>T on transcript NM_033004.4 (MANE Select); coding-DNA position 2366, G replaced by T.
Protein change: p.Trp789Leu; replaces tryptophan 789 with leucine.
Molecular consequence: missense variant.
Genome position (GRCh38, 1-based): chr17:5,553,548, C>A on the plus strand (G>T on the coding strand, the complement: NLRP1 is on the minus strand). VCF-style: chr17-5553548-C-A. GRCh37 (hg19) VCF-style: chr17-5456868-C-A.
Other names: c.2366G>T, p.Trp789Leu (NM_001033053.3, NM_014922.5, NM_033006.4 and 1 more transcripts); short protein forms W789L.
Identifiers: ClinVar variation 4738352 (VCV004738352.1).
Genomic context (GRCh38, chr17:5,553,548, plus strand): 5'-TTTCTGGTGACCTTGAGGACGGAGAAGAGAATCTGCCAATAGGCATCTGTGACTGGGACC[C>A]ACCTGAACCTGAGGGGGAGAGAGAAGGACAGGAGAGATGTGATGTGTCTGGCAGGGGTTT-3'
Protein context (NP_127497.1, residues 779-799): WSPTMVVLFR[Trp789Leu]VPVTDAYWQI

ClinVar aggregate classification (germline): Uncertain significance (1 of 4 stars; one submission).

gnomAD v4.1: 4 of 1,613,636 alleles (0.00025%); highest among the groups gnomAD compares: Non-Finnish European, 0.00025%; no homozygotes.

Submission:

Labcorp Genetics (formerly Invitae), Labcorp
Classification: Uncertain significance. Last evaluated: 2025-03-19. Review status: criteria provided, single submitter. Criteria: Invitae Variant Classification Sherloc (09022015). Collection method: clinical testing. Allele origin: germline.
Comment: This sequence change replaces tryptophan, which is neutral and slightly polar, with leucine, which is neutral and non-polar, at codon 789 of the NLRP1 protein (p.Trp789Leu). This variant is not present in population databases (gnomAD no frequency). This variant has not been reported in the literature in individuals affected with NLRP1-related conditions. An algorithm developed to predict the effect of missense changes on protein structure and function (PolyPhen-2) suggests that this variant is likely to be tolerated. In summary, the available evidence is currently insufficient to determine the role of this variant in disease. Therefore, it has been classified as a Variant of Uncertain Significance.